The following is an entry in ClinVar:

NM_030962.4(SBF2):c.5470G>A (p.Val1824Met)

Genes: SBF2 (SET binding factor 2; minus strand), SBF2-AS1 (SBF2 antisense RNA 1; plus strand). Cytogenetic location: 11p15.4.
Variant type: single nucleotide variant.
Coding change: c.5470G>A on transcript NM_030962.4 (MANE Select); coding-DNA position 5470, G replaced by A.
Protein change: p.Val1824Met; replaces valine 1824 with methionine.
Molecular consequence: missense variant.
Genome position (GRCh38, 1-based): chr11:9,780,498, C>T on the plus strand (G>A on the coding strand, the complement: SBF2 is on the minus strand). VCF-style: chr11-9780498-C-T. GRCh37 (hg19) VCF-style: chr11-9802045-C-T.
Other names: c.5566G>A, p.Val1856Met (NM_001386339.1); c.5341G>A, p.Val1781Met (NM_001386342.1); short protein forms V1856M, V1781M, V1824M.
Identifiers: ClinVar variation 1035398 (VCV001035398.9), dbSNP rs1851934295, ClinGen allele CA379629694.

ClinVar aggregate classification (germline): Uncertain significance (1 of 4 stars; one submission).

Conditions:
Charcot-Marie-Tooth disease type 4. Also called: Charcot-Marie-Tooth disease, type IV; Charcot-Marie-Tooth, Type 4. Identifiers: Orphanet 64749, MedGen C4082197, MONDO:0018995.

Allele frequency attached by ClinVar (database versions not stated): gnomAD exomes below 0.00001.
gnomAD v4.1: 2 of 1,614,160 alleles (0.00012%); highest among the groups gnomAD compares: Non-Finnish European, 0.000085%; no homozygotes.

Submission:

Labcorp Genetics (formerly Invitae), Labcorp
Classification: Uncertain significance for Charcot-Marie-Tooth disease type 4. Last evaluated: 2020-05-15. Review status: criteria provided, single submitter. Criteria: Invitae Variant Classification Sherloc (09022015). Collection method: clinical testing. Allele origin: germline.
Comment: This sequence change replaces valine with methionine at codon 1824 of the SBF2 protein (p.Val1824Met). The valine residue is moderately conserved and there is a small physicochemical difference between valine and methionine. This variant is not present in population databases (ExAC no frequency). This variant has not been reported in the literature in individuals with SBF2-related conditions. Algorithms developed to predict the effect of missense changes on protein structure and function are either unavailable or do not agree on the potential impact of this missense change (SIFT: "Deleterious"; PolyPhen-2: "Possibly Damaging"; Align-GVGD: "Class C0"). In summary, the available evidence is currently insufficient to determine the role of this variant in disease. Therefore, it has been classified as a Variant of Uncertain Significance.